The following is an entry in ClinVar:

NM_015450.3(POT1):c.1684T>C (p.Ser562Pro)

Gene: POT1 (protection of telomeres 1; minus strand). Cytogenetic location: 7q31.33.
Variant type: single nucleotide variant.
Coding change: c.1684T>C on transcript NM_015450.3 (MANE Select); coding-DNA position 1684, T replaced by C.
Protein change: p.Ser562Pro; replaces serine 562 with proline.
Molecular consequence: missense variant. On other transcripts: non-coding transcript variant (3).
Genome position (GRCh38, 1-based): chr7:124,827,216, A>G on the plus strand (T>C on the coding strand, the complement: POT1 is on the minus strand). VCF-style: chr7-124827216-A-G. GRCh37 (hg19) VCF-style: chr7-124467270-A-G.
Other names: c.1291T>C, p.Ser431Pro (NM_001042594.2); short protein forms S431P, S562P.
Identifiers: ClinVar variation 3308952 (VCV003308952.1).

ClinVar aggregate classification (germline): Uncertain significance (1 of 4 stars; one submission).

Conditions:
Hereditary cancer-predisposing syndrome. Also called: Neoplastic Syndromes, Hereditary; Tumor predisposition; Hereditary neoplastic syndrome; Hereditary Cancer Syndrome. Identifiers: Orphanet 140162, MedGen C0027672, MeSH D009386, MONDO:0015356.

Submission:

Ambry Genetics
Classification: Uncertain significance for Hereditary cancer-predisposing syndrome. Last evaluated: 2024-05-17. Review status: criteria provided, single submitter. Criteria: Ambry Variant Classification Scheme 2023. Collection method: clinical testing. Allele origin: germline.
Comment: The p.S562P variant (also known as c.1684T>C), located in coding exon 13 of the POT1 gene, results from a T to C substitution at nucleotide position 1684. The serine at codon 562 is replaced by proline, an amino acid with similar properties. This variant was identified amongst a cohort of 496 individuals with at least a single primary melanoma (M&uuml;ller C et al. G3 (Bethesda), 2018 May;8:1475-1480). This amino acid position is well conserved in available vertebrate species. In addition, this alteration is predicted to be tolerated by in silico analysis. Based on the available evidence, the clinical significance of this variant remains unclear.

Literature cited by the submitters: PubMed 29523635.